The following is an entry in ClinVar:

ClinVar aggregate classification (germline): Pathogenic (1 of 4 stars; one submission).

Submission:

CeGaT Center for Human Genetics Tuebingen
Classification: Pathogenic. Last evaluated: 2024-10-01. Review status: criteria provided, single submitter. Criteria: CeGaT Center For Human Genetics Tuebingen Variant Classification Criteria Version 2. Collection method: clinical testing. Allele origin: germline. Affected: yes. Observed: 1 variant allele.
Comment: FANCM: PVS1, PM2

NM_020937.4(FANCM):c.2827del (p.Asp943fs)

Gene: FANCM (FA complementation group M; plus strand). Cytogenetic location: 14q21.2.
Variant type: Deletion.
Coding change: c.2827del on transcript NM_020937.4 (MANE Select); coding-DNA position 2827, one base deleted (G; older notation c.2827delG).
Protein change: p.Asp943fs; shifts the reading frame from aspartic acid 943.
Molecular consequence: frameshift variant.
Genome position (GRCh38, 1-based): chr14:45,175,581, G deleted. VCF-style (leftmost placement, unchanged base first): chr14-45175580-AG-A. GRCh37 (hg19) VCF-style: chr14-45644783-AG-A.
Other names: c.2749del, p.Asp917fs (NM_001308133.2); short protein forms D917fs, D943fs.
Identifiers: ClinVar variation 3389845 (VCV003389845.14).